The following is an entry in ClinVar:

NM_170754.4(TNS2):c.1463G>A (p.Arg488Gln)

Gene: TNS2 (tensin 2; plus strand). Cytogenetic location: 12q13.13.
Variant type: single nucleotide variant.
Coding change: c.1463G>A on transcript NM_170754.4 (MANE Select); coding-DNA position 1463, G replaced by A.
Protein change: p.Arg488Gln; replaces arginine 488 with glutamine.
Molecular consequence: missense variant.
Genome position (GRCh38, 1-based): chr12:53,059,104, G>A. VCF-style: chr12-53059104-G-A. GRCh37 (hg19) VCF-style: chr12-53452888-G-A.
Other names: c.1463G>A, p.Arg488Gln (NM_001416202.1); c.1421G>A, p.Arg474Gln (NM_001416203.1); c.1490G>A, p.Arg497Gln (NM_001416204.1); c.1394G>A, p.Arg465Gln (NM_015319.3); c.1091G>A, p.Arg364Gln (NM_198316.2); short protein forms R364Q, R488Q, R498Q, R465Q, R474Q, R497Q.
Identifiers: ClinVar variation 2062677 (VCV002062677.6), dbSNP rs138932983, ClinGen allele CA6592376.
Genomic context (GRCh38, chr12:53,059,104, plus strand): 5'-CAGGCTCCTTGACCCACACCCGGGGTCCCCTGGATGGCAGTCCTTATGCCCAGGTGCAGC[G>A]GCCTCCCCGGCAGACCCCCCCGGCACCCTCTCCAGAGCCTCCACCACCCCCCATGCTCTC-3'
Protein context (NP_736610.2, residues 478-498): LDGSPYAQVQ[Arg488Gln]PPRQTPPAPS

ClinVar aggregate classification (germline): Uncertain significance. Review status: criteria provided, multiple submitters, no conflicts (2 of 4 stars). 3 submissions from 3 submitters: Uncertain significance (3). Last evaluated 2025-09-28.

Allele frequency attached by ClinVar (database versions not stated): ESP Exome Variant Server 0.00008; gnomAD exomes 0.00011; ExAC 0.00015; 1000 Genomes Project 0.00020; 1000 Genomes Project 30x 0.00031; TOPMed 0.00042; gnomAD 0.00054.
gnomAD v4.1: 254 of 1,548,482 alleles (0.016%); highest among the groups gnomAD compares: Admixed American, 0.22%; no homozygotes.

Submissions (3):

Labcorp Genetics (formerly Invitae), Labcorp
Classification: Uncertain significance. Last evaluated: 2025-09-28. Review status: criteria provided, single submitter. Criteria: Invitae Variant Classification Sherloc (09022015). Collection method: clinical testing. Allele origin: germline.
Comment: This sequence change replaces arginine, which is basic and polar, with glutamine, which is neutral and polar, at codon 498 of the TNS2 protein (p.Arg498Gln). This variant is present in population databases (rs138932983, gnomAD 0.1%), and has an allele count higher than expected for a pathogenic variant. This variant has not been reported in the literature in individuals affected with TNS2-related conditions. ClinVar contains an entry for this variant (Variation ID: 2062677). An algorithm developed to predict the effect of missense changes on protein structure and function (PolyPhen-2) suggests that this variant is likely to be disruptive. In summary, the available evidence is currently insufficient to determine the role of this variant in disease. Therefore, it has been classified as a Variant of Uncertain Significance.

Ambry Genetics
Classification: Uncertain significance. Last evaluated: 2022-12-13. Review status: criteria provided, single submitter. Criteria: Ambry Variant Classification Scheme 2023. Collection method: clinical testing. Allele origin: germline.

Breakthrough Genomics
Classification: Uncertain significance. Review status: criteria provided, single submitter. Criteria: ACMG Guidelines, 2015. Collection method: not provided. Allele origin: germline. Inheritance: Unknown mechanism. Affected: yes.